The following is an entry in ClinVar:

NM_001001824.2(OR2T27):c.370G>C (p.Val124Leu)

Gene: OR2T27 (olfactory receptor family 2 subfamily T member 27; minus strand). Cytogenetic location: 1q44.
Variant type: single nucleotide variant.
Coding change: c.370G>C on transcript NM_001001824.2 (MANE Select); coding-DNA position 370, G replaced by C.
Protein change: p.Val124Leu; replaces valine 124 with leucine.
Molecular consequence: missense variant.
Genome position (GRCh38, 1-based): chr1:248,650,515, C>G on the plus strand (G>C on the coding strand, the complement: OR2T27 is on the minus strand). VCF-style: chr1-248650515-C-G. GRCh37 (hg19) VCF-style: chr1-248813816-C-G.
Other names: c.370G>C, p.Val124Leu (NM_001386060.1); short protein forms V124L.
Identifiers: ClinVar variation 4561800 (VCV004561800.1).
Genomic context (GRCh38, chr1:248,650,515, plus strand): 5'-TCAACCAGCAGATCTTGCGGCTCATGAGGACAGGATAGTGCAGAGGGTTGCAGATGGCTA[C>G]GTAGCGATCATAGGACATGAGTCCTAGGAGGAAGAACTCAGCCCCTGCTAAGGTCAAGTA-3'
Protein context (NP_001001824.1, residues 114-134): LLGLMSYDRY[Val124Leu]AICNPLHYPV

ClinVar aggregate classification (germline): Uncertain significance (1 of 4 stars; one submission).

Submission:

Ambry Genetics
Classification: Uncertain significance. Last evaluated: 2025-11-26. Review status: criteria provided, single submitter. Criteria: Ambry Variant Classification Scheme 2023. Collection method: clinical testing. Allele origin: germline.
Comment: The c.370G>C (p.V124L) alteration is located in exon 1 (coding exon 1) of the OR2T27 gene. This alteration results from a G to C substitution at nucleotide position 370, causing the valine (V) at amino acid position 124 to be replaced by a leucine (L). Based on data from gnomAD, the C allele has an overall frequency of <0.001% (1/223018) total alleles studied. The highest observed frequency was 0.001% (1/100398) of European (non-Finnish) alleles. Based on insufficient or conflicting evidence, the clinical significance of this alteration remains unclear.